The following is an entry in ClinVar:

ClinVar aggregate classification (germline): Uncertain significance (1 of 4 stars; one submission).

Conditions:
Short-rib thoracic dysplasia 14 with polydactyly (SRTD14). Identifiers: Orphanet 397715, MedGen C4225286, MONDO:0014688, OMIM 616546.
Joubert syndrome 23 (JBTS23). Identifiers: Orphanet 475, MedGen C4084822, MONDO:0014664, OMIM 616490.

Allele frequency attached by ClinVar (database versions not stated): gnomAD exomes below 0.00001.
gnomAD v4.1: 1 of 1,512,468 alleles (0.000066%); highest among the groups gnomAD compares: East Asian, 0.0023%; no homozygotes.

Submission:

Labcorp Genetics (formerly Invitae), Labcorp
Classification: Uncertain significance for Joubert syndrome 23; Short-rib thoracic dysplasia 14 with polydactyly. Last evaluated: 2023-08-10. Review status: criteria provided, single submitter. Criteria: Invitae Variant Classification Sherloc (09022015). Collection method: clinical testing. Allele origin: germline.
Comment: This sequence change falls in intron 3 of the KIAA0586 gene. It does not directly change the encoded amino acid sequence of the KIAA0586 protein. This variant is not present in population databases (gnomAD no frequency). This variant has not been reported in the literature in individuals affected with KIAA0586-related conditions. ClinVar contains an entry for this variant (Variation ID: 2108483). Algorithms developed to predict the effect of sequence changes on RNA splicing suggest that this variant may disrupt the consensus splice site. In summary, the available evidence is currently insufficient to determine the role of this variant in disease. Therefore, it has been classified as a Variant of Uncertain Significance.

NM_001329943.3(KIAA0586):c.270+7A>C

Gene: KIAA0586 (KIAA0586; plus strand). Cytogenetic location: 14q23.1.
Variant type: single nucleotide variant.
Coding change: c.270+7A>C on transcript NM_001329943.3 (MANE Select); 7 bases into the intron after coding-DNA position 270, A replaced by C.
Molecular consequence: intron variant.
Genome position (GRCh38, 1-based): chr14:58,429,440, A>C. VCF-style: chr14-58429440-A-C. GRCh37 (hg19) VCF-style: chr14-58896158-A-C.
Other names: c.306+7A>C (NM_001244189.2); c.225+7A>C (NM_001244190.2); c.15+7A>C (NM_001244192.2, NM_001244191.2, NM_001364701.2 and 2 more transcripts); c.270+7A>C (NM_001329944.2, NM_001329946.2, NM_001329947.2 and 1 more transcripts).
Identifiers: ClinVar variation 2108483 (VCV002108483.4), dbSNP rs2542459757, ClinGen allele CA2580088276.